The following is an entry in ClinVar:

NM_015047.3(EMC1):c.2113C>T (p.Gln705Ter)

Genes: EMC1 (ER membrane protein complex subunit 1; minus strand), EMC1-AS1 (EMC1 antisense RNA 1; plus strand). Cytogenetic location: 1p36.13.
Variant type: single nucleotide variant.
Coding change: c.2113C>T on transcript NM_015047.3 (MANE Select); coding-DNA position 2113, C replaced by T.
Protein change: p.Gln705Ter; replaces glutamine 705 with a stop codon.
Molecular consequence: nonsense.
Genome position (GRCh38, 1-based): chr1:19,227,402, G>A on the plus strand (C>T on the coding strand, the complement: EMC1 is on the minus strand). VCF-style: chr1-19227402-G-A. GRCh37 (hg19) VCF-style: chr1-19553896-G-A.
Other names: c.2110C>T, p.Gln704Ter (NM_001271427.2, NM_001271428.2); c.2047C>T, p.Gln683Ter (NM_001271429.2); c.2122C>T, p.Gln708Ter (NM_001375820.1); c.2119C>T, p.Gln707Ter (NM_001375821.1); short protein forms Q683*, Q704*, Q705*, Q707*, Q708*.
Identifiers: ClinVar variation 1023665 (VCV001023665.8), dbSNP rs767221166, ClinGen allele CA652393.
Genomic context (GRCh38, chr1:19,227,402, plus strand): 5'-CACGGCCCTGGGAATGAACGTGCTCACTGCTGCGTTTCCCCTTCACCTTGACGATCCGCT[G>A]TACTTCTGGGGGAATGGTCAGCTCCCAACTCAGCTCAGTGGTGAGATCCTAGGGCAGGGG-3'

ClinVar aggregate classification (germline): Pathogenic (1 of 4 stars; one submission).

Allele frequency attached by ClinVar (database versions not stated): gnomAD exomes below 0.00001; ExAC 0.00001.
gnomAD v4.1: 2 of 1,614,214 alleles (0.00012%); highest among the groups gnomAD compares: Non-Finnish European, 0.000085%; no homozygotes.

Submission:

Labcorp Genetics (formerly Invitae), Labcorp
Classification: Pathogenic. Last evaluated: 2022-02-09. Review status: criteria provided, single submitter. Criteria: Invitae Variant Classification Sherloc (09022015). Collection method: clinical testing. Allele origin: germline.
Comment: This sequence change creates a premature translational stop signal (p.Gln705*) in the EMC1 gene. It is expected to result in an absent or disrupted protein product. Loss-of-function variants in EMC1 are known to be pathogenic (PMID: 26572623, 26942288, 29271071). For these reasons, this variant has been classified as Pathogenic. ClinVar contains an entry for this variant (Variation ID: 1023665). This variant has not been reported in the literature in individuals affected with EMC1-related conditions. This variant is present in population databases (rs767221166, gnomAD 0.004%).

Literature cited by the submitters: PubMed 26572623; PubMed 26942288; PubMed 29271071.